The following is an entry in ClinVar:

ClinVar aggregate classification (germline): Uncertain significance (1 of 4 stars; one submission).

Allele frequency attached by ClinVar (database versions not stated): gnomAD exomes below 0.00001; gnomAD 0.00001; TOPMed 0.00001.
gnomAD v4.1: 5 of 1,614,088 alleles (0.00031%); highest among the groups gnomAD compares: Admixed American, 0.0083%; no homozygotes.

Submission:

Labcorp Genetics (formerly Invitae), Labcorp
Classification: Uncertain significance. Last evaluated: 2023-06-26. Review status: criteria provided, single submitter. Criteria: Invitae Variant Classification Sherloc (09022015). Collection method: clinical testing. Allele origin: germline.
Comment: Advanced modeling of protein sequence and biophysical properties (such as structural, functional, and spatial information, amino acid conservation, physicochemical variation, residue mobility, and thermodynamic stability) performed at Invitae indicates that this missense variant is not expected to disrupt CNNM4 protein function. This sequence change replaces aspartic acid, which is acidic and polar, with alanine, which is neutral and non-polar, at codon 537 of the CNNM4 protein (p.Asp537Ala). This variant is not present in population databases (gnomAD no frequency). This variant has not been reported in the literature in individuals affected with CNNM4-related conditions. ClinVar contains an entry for this variant (Variation ID: 1914116). In summary, the available evidence is currently insufficient to determine the role of this variant in disease. Therefore, it has been classified as a Variant of Uncertain Significance.

NM_020184.4(CNNM4):c.1610A>C (p.Asp537Ala)

Gene: CNNM4 (cyclin and CBS domain divalent metal cation transport mediator 4; plus strand). Cytogenetic location: 2q11.2.
Variant type: single nucleotide variant.
Coding change: c.1610A>C on transcript NM_020184.4 (MANE Select); coding-DNA position 1610, A replaced by C.
Protein change: p.Asp537Ala; replaces aspartic acid 537 with alanine.
Molecular consequence: missense variant.
Genome position (GRCh38, 1-based): chr2:96,797,576, A>C. VCF-style: chr2-96797576-A-C. GRCh37 (hg19) VCF-style: chr2-97463313-A-C.
Other names: short protein forms D537A.
Identifiers: ClinVar variation 1914116 (VCV001914116.5), dbSNP rs1006079657, ClinGen allele CA52451302.